The following is an entry in ClinVar:

NM_201384.3(PLEC):c.2360G>T (p.Arg787Leu)

Gene: PLEC (plectin; minus strand). Cytogenetic location: 8q24.3.
Variant type: single nucleotide variant.
Coding change: c.2360G>T on transcript NM_201384.3 (MANE Select); coding-DNA position 2360, G replaced by T.
Protein change: p.Arg787Leu; replaces arginine 787 with leucine.
Molecular consequence: missense variant.
Genome position (GRCh38, 1-based): chr8:143,930,481, C>A on the plus strand (G>T on the coding strand, the complement: PLEC is on the minus strand). VCF-style: chr8-143930481-C-A. GRCh37 (hg19) VCF-style: chr8-145004649-C-A.
Other names: c.2441G>T, p.Arg814Leu (NM_000445.5); c.2318G>T, p.Arg773Leu (NM_201378.4); c.2294G>T, p.Arg765Leu (NM_201379.3); c.2771G>T, p.Arg924Leu (NM_201380.4); c.2264G>T, p.Arg755Leu (NM_201381.3); c.2360G>T, p.Arg787Leu (NM_201382.4); c.2372G>T, p.Arg791Leu (NM_201383.3); short protein forms R814L, R924L, R773L, R791L, R755L, R765L, R787L.
Identifiers: ClinVar variation 1351979 (VCV001351979.6), dbSNP rs1319068044, ClinGen allele CA372574828.

ClinVar aggregate classification (germline): Uncertain significance (1 of 4 stars; one submission).

Conditions:
Epidermolysis bullosa simplex 5B, with muscular dystrophy (EBS5B). Also called: Epidermolysis bullosa simplex with muscular dystrophy; EPIDERMOLYSIS BULLOSA SIMPLEX AND LIMB-GIRDLE MUSCULAR DYSTROPHY. Identifiers: Orphanet 257, MedGen C2931072, MONDO:0009181, OMIM 226670.
Epidermolysis bullosa simplex, Ogna type (EBS5A). Also called: Pidermolysis bullosa simplex 5A, Ogna type; EPIDERMOLYSIS BULLOSA SIMPLEX 5A, OGNA TYPE. Identifiers: Orphanet 79401, MedGen C0432317, MONDO:0007555, OMIM 131950.
Epidermolysis bullosa simplex 5C, with pyloric atresia (EBS5C). Also called: PLEC1-Related Epidermolysis Bullosa with Pyloric Atresia; PLEC-Related Epidermolysis Bullosa with Pyloric Atresia; Epidermolysis bullosa simplex with pyloric atresia. Identifiers: Orphanet 158684, MedGen C2677349, MONDO:0012807, OMIM 612138.
Epidermolysis bullosa simplex with nail dystrophy (EBS5D). Identifiers: MedGen C4225309, MONDO:0014661, OMIM 616487.
Autosomal recessive limb-girdle muscular dystrophy type 2Q (LGMDR17). Also called: MUSCULAR DYSTROPHY, LIMB-GIRDLE, AUTOSOMAL RECESSIVE 17. Identifiers: Orphanet 254361, MedGen C3150989, MONDO:0013390, OMIM 613723.

Submission:

Labcorp Genetics (formerly Invitae), Labcorp
Classification: Uncertain significance for Autosomal recessive limb-girdle muscular dystrophy type 2Q; Epidermolysis bullosa simplex, Ogna type; Epidermolysis bullosa simplex with nail dystrophy; Epidermolysis bullosa simplex 5C, with pyloric atresia; Epidermolysis bullosa simplex 5B, with muscular dystrophy. Last evaluated: 2022-06-05. Review status: criteria provided, single submitter. Criteria: Invitae Variant Classification Sherloc (09022015). Collection method: clinical testing. Allele origin: germline.
Comment: In summary, the available evidence is currently insufficient to determine the role of this variant in disease. Therefore, it has been classified as a Variant of Uncertain Significance. Algorithms developed to predict the effect of missense changes on protein structure and function are either unavailable or do not agree on the potential impact of this missense change (SIFT: "Deleterious"; PolyPhen-2: "Not Available"; Align-GVGD: "Class C35"). ClinVar contains an entry for this variant (Variation ID: 1351979). This variant has not been reported in the literature in individuals affected with PLEC-related conditions. This variant is not present in population databases (gnomAD no frequency). This sequence change replaces arginine, which is basic and polar, with leucine, which is neutral and non-polar, at codon 814 of the PLEC protein (p.Arg814Leu).